The following is an entry in ClinVar:

NM_006904.7(PRKDC):c.11119G>T (p.Gly3707Cys)

Gene: PRKDC (protein kinase, DNA-activated, catalytic subunit; minus strand). Cytogenetic location: 8q11.21.
Variant type: single nucleotide variant.
Coding change: c.11119G>T on transcript NM_006904.7 (MANE Select); coding-DNA position 11119, G replaced by T.
Protein change: p.Gly3707Cys; replaces glycine 3707 with cysteine.
Molecular consequence: missense variant.
Genome position (GRCh38, 1-based): chr8:47,783,798, C>A on the plus strand (G>T on the coding strand, the complement: PRKDC is on the minus strand). VCF-style: chr8-47783798-C-A. GRCh37 (hg19) VCF-style: chr8-48696359-C-A.
Other names: c.11119G>T, p.Gly3707Cys (NM_001081640.2); short protein forms G3707C.
Identifiers: ClinVar variation 3425228 (VCV003425228.1).

ClinVar aggregate classification (germline): Uncertain significance (1 of 4 stars; one submission).

Submission:

Ambry Genetics
Classification: Uncertain significance. Last evaluated: 2024-10-14. Review status: criteria provided, single submitter. Criteria: Ambry Variant Classification Scheme 2023. Collection method: clinical testing. Allele origin: germline.
Comment: The p.G3707C variant (also known as c.11119G>T), located in coding exon 78 of the PRKDC gene, results from a G to T substitution at nucleotide position 11119. The glycine at codon 3707 is replaced by cysteine, an amino acid with highly dissimilar properties. This amino acid position is conserved. In addition, the in silico prediction for this alteration is inconclusive. Based on the available evidence, the clinical significance of this variant remains unclear.